The following is an entry in ClinVar:

ClinVar aggregate classification (germline): Uncertain significance. Review status: criteria provided, multiple submitters, no conflicts (2 of 4 stars). 4 submissions from 4 submitters: Uncertain significance (4). Last evaluated 2025-06-15.

Conditions:
Immunodeficiency 66. Identifiers: MedGen C5394265, MONDO:0030013, OMIM 618847.

Allele frequency attached by ClinVar (database versions not stated): ExAC 0.00004; gnomAD exomes 0.00004 and 0.00007; gnomAD 0.00006 and 0.00007; TOPMed 0.00006.
gnomAD v4.1: 111 of 1,613,638 alleles (0.0069%); highest among the groups gnomAD compares: Non-Finnish European, 0.0092%; no homozygotes.

Submissions (4):

Labcorp Genetics (formerly Invitae), Labcorp
Classification: Uncertain significance. Last evaluated: 2025-06-15. Review status: criteria provided, single submitter. Criteria: Invitae Variant Classification Sherloc (09022015). Collection method: clinical testing. Allele origin: germline.
Comment: This sequence change replaces serine, which is neutral and polar, with leucine, which is neutral and non-polar, at codon 335 of the MKL1 protein (p.Ser335Leu). This variant is present in population databases (rs767517879, gnomAD 0.009%). This variant has not been reported in the literature in individuals affected with MKL1-related conditions. ClinVar contains an entry for this variant (Variation ID: 1683092). An algorithm developed to predict the effect of missense changes on protein structure and function (PolyPhen-2) suggests that this variant is likely to be tolerated. In summary, the available evidence is currently insufficient to determine the role of this variant in disease. Therefore, it has been classified as a Variant of Uncertain Significance.

Ambry Genetics
Classification: Uncertain significance. Last evaluated: 2024-07-31. Review status: criteria provided, single submitter. Criteria: Ambry Variant Classification Scheme 2023. Collection method: clinical testing. Allele origin: germline.

Blueprint Genetics
Classification: Uncertain significance. Last evaluated: 2023-10-31. Review status: criteria provided, single submitter. Criteria: ACMG Guidelines, 2015. Collection method: clinical testing. Allele origin: germline.

Fulgent Genetics
Classification: Uncertain significance for Immunodeficiency 66. Last evaluated: 2021-09-21. Review status: criteria provided, single submitter. Criteria: ACMG Guidelines, 2015. Collection method: clinical testing. Allele origin: unknown.

NM_020831.6(MRTFA):c.1304C>T (p.Ser435Leu)

Gene: MRTFA (myocardin related transcription factor A; minus strand). Cytogenetic location: 22q13.1.
Variant type: single nucleotide variant.
Coding change: c.1304C>T on transcript NM_020831.6 (MANE Select); coding-DNA position 1304, C replaced by T.
Protein change: p.Ser435Leu; replaces serine 435 with leucine.
Molecular consequence: missense variant.
Genome position (GRCh38, 1-based): chr22:40,420,454, G>A on the plus strand (C>T on the coding strand, the complement: MRTFA is on the minus strand). VCF-style: chr22-40420454-G-A. GRCh37 (hg19) VCF-style: chr22-40816458-G-A.
Other names: c.1004C>T, p.Ser335Leu (NM_001282660.2); c.1154C>T, p.Ser385Leu (NM_001282661.3); c.1304C>T, p.Ser435Leu (NM_001282662.3); c.1109C>T, p.Ser370Leu (NM_001318139.2); c.1004C>T (NM_020831.3); short protein forms S335L, S370L, S385L, S435L.
Identifiers: ClinVar variation 1683092 (VCV001683092.11), dbSNP rs767517879, ClinGen allele CA10249714.